The following is an entry in ClinVar:

NM_000548.5(TSC2):c.481+5G>A

Gene: TSC2 (TSC complex subunit 2; plus strand). Cytogenetic location: 16p13.3.
Variant type: single nucleotide variant.
Coding change: c.481+5G>A on transcript NM_000548.5 (MANE Select); 5 bases into the intron after coding-DNA position 481, G replaced by A.
Molecular consequence: intron variant.
Genome position (GRCh38, 1-based): chr16:2,054,445, G>A. VCF-style: chr16-2054445-G-A. GRCh37 (hg19) VCF-style: chr16-2104446-G-A.
Other names: c.481+5G>A (NM_001114382.3, NM_021055.3, NM_001370405.1 and 3 more transcripts); c.370+5G>A (NM_001318827.2); c.-1-1751G>A (NM_001318831.2); c.334+5G>A (NM_001318829.2); c.514+5G>A (NM_001318832.2).
Identifiers: ClinVar variation 64988 (VCV000064988.9), dbSNP rs137854135, ClinGen allele CA021022.

ClinVar aggregate classification (germline): Pathogenic. Review status: criteria provided, single submitter (1 of 4 stars). 2 submissions from 2 submitters: Pathogenic (1). 1 of the submissions does not count toward it. Last evaluated 2024-04-27.

Conditions:
Tuberous sclerosis syndrome (TSC). Also called: Tuberous Sclerosis Complex; Tuberous sclerosis. Identifiers: Orphanet 805, MedGen C0041341, MONDO:0001734.
Tuberous sclerosis 2 (TSC2). Identifiers: Orphanet 805, MedGen C1860707, MONDO:0013199, OMIM 613254.

Submissions (2):

Labcorp Genetics (formerly Invitae), Labcorp
Classification: Pathogenic for Tuberous sclerosis 2. Last evaluated: 2024-04-27. Review status: criteria provided, single submitter. Criteria: Invitae Variant Classification Sherloc (09022015). Collection method: clinical testing. Allele origin: germline.
Comment: This sequence change falls in intron 5 of the TSC2 gene. It does not directly change the encoded amino acid sequence of the TSC2 protein. It affects a nucleotide within the consensus splice site. This variant is not present in population databases (gnomAD no frequency). This variant has been observed in individual(s) with tuberous sclerosis (PMID: 26540169; Invitae). In at least one individual the variant was observed to be de novo. ClinVar contains an entry for this variant (Variation ID: 64988). Variants that disrupt the consensus splice site are a relatively common cause of aberrant splicing (PMID: 17576681, 9536098). Algorithms developed to predict the effect of sequence changes on RNA splicing suggest that this variant may disrupt the consensus splice site. For these reasons, this variant has been classified as Pathogenic.

Tuberous sclerosis database (TSC2)
No classification provided. Condition: TSC. Review status: no classification provided. Criteria: Tuberous Sclerosis Database Assertion Criteria 2015. Collection method: curation. Allele origin: germline. Affected: yes. Not counted in ClinVar's aggregate classification.

Literature cited by the submitters: PubMed 26540169 (cited by Labcorp Genetics (formerly Invitae), Labcorp); PubMed 17576681 (cited by Labcorp Genetics (formerly Invitae), Labcorp); PubMed 9536098 (cited by Labcorp Genetics (formerly Invitae), Labcorp).